The following is an entry in ClinVar:

NM_001371596.2(MFSD8):c.755-1G>A

Gene: MFSD8 (major facilitator superfamily domain containing 8; minus strand). Cytogenetic location: 4q28.2.
Variant type: single nucleotide variant.
Coding change: c.755-1G>A on transcript NM_001371596.2 (MANE Select); the canonical splice acceptor site of the intron before coding-DNA position 755, G replaced by A.
Molecular consequence: splice acceptor variant.
Genome position (GRCh38, 1-based): chr4:127,933,094, C>T on the plus strand (G>A on the coding strand, the complement: MFSD8 is on the minus strand). VCF-style: chr4-127933094-C-T. GRCh37 (hg19) VCF-style: chr4-128854249-C-T.
Other names: c.473-1G>A (NM_001371595.1); c.305-1G>A (NM_001410765.1); c.620-1G>A (NM_001371590.2); c.755-1G>A (NM_152778.4, NM_001371591.2); c.440-1G>A (NM_001363521.3); c.641-1G>A (NM_001410766.1, NM_001371593.2); c.554-1G>A (NM_001363520.3); c.608-1G>A (NM_001371594.2); and 1 more.
Identifiers: ClinVar variation 2750898 (VCV002750898.3), dbSNP rs2546094359, ClinGen allele CA358174819.

ClinVar aggregate classification (germline): Likely pathogenic (1 of 4 stars; one submission).

Conditions:
Neuronal ceroid lipofuscinosis 7 (CLN7). Also called: MFSD8-Related Neuronal Ceroid-Lipofuscinosis. Identifiers: Orphanet 168491, Orphanet 228366, MedGen C1838571, MONDO:0012588, OMIM 610951.

Submission:

Labcorp Genetics (formerly Invitae), Labcorp
Classification: Likely pathogenic for Neuronal ceroid lipofuscinosis 7. Last evaluated: 2023-08-07. Review status: criteria provided, single submitter. Criteria: Invitae Variant Classification Sherloc (09022015). Collection method: clinical testing. Allele origin: germline.
Comment: This variant has not been reported in the literature in individuals affected with MFSD8-related conditions. This variant is not present in population databases (gnomAD no frequency). This sequence change affects an acceptor splice site in intron 8 of the MFSD8 gene. It is expected to disrupt RNA splicing. Variants that disrupt the donor or acceptor splice site typically lead to a loss of protein function (PMID: 16199547), and loss-of-function variants in MFSD8 are known to be pathogenic (PMID: 19177532, 25227500, 28586915). In summary, the currently available evidence indicates that the variant is pathogenic, but additional data are needed to prove that conclusively. Therefore, this variant has been classified as Likely Pathogenic. Algorithms developed to predict the effect of sequence changes on RNA splicing suggest that this variant may disrupt the consensus splice site.

Literature cited by the submitters: PubMed 16199547; PubMed 19177532; PubMed 25227500; PubMed 28586915.